The following is an entry in ClinVar:

ClinVar aggregate classification (germline): Uncertain significance (1 of 4 stars; one submission).

Conditions:
Pilarowski-Bjornsson syndrome. Also called: DEVELOPMENTAL DELAY AND SPEECH APRAXIA WITH OR WITHOUT SEIZURES. Identifiers: Orphanet 529965, MedGen C4540131, MONDO:0060568, OMIM 617682.

Submission:

3billion
Classification: Uncertain significance for Pilarowski-Bjornsson syndrome. Last evaluated: 2026-01-12. Review status: criteria provided, single submitter. Criteria: ACMG Guidelines, 2015. Collection method: clinical testing. Allele origin: germline. Affected: yes.
Comment: The variant is not observed in the gnomAD v4.1.0 dataset. Predicted Consequence/Location: Missense variant. Missense changes are a common disease-causing mechanism. In silico tool predictions suggest damaging effect of the variant on gene or gene product [REVEL: 0.92 (>=0.6, sensitivity 0.68 and specificity 0.92); 3Cnet: 0.80 (> 0.75, sensitivity 0.96 and precision 0.92)]. Therefore, this variant is classified as VUS according to the recommendation of ACMG/AMP guideline.

NM_001270.4(CHD1):c.3389A>C (p.Glu1130Ala)

Gene: CHD1 (chromodomain helicase DNA binding protein 1; minus strand). Cytogenetic location: 5q15.
Variant type: single nucleotide variant.
Coding change: c.3389A>C on transcript NM_001270.4 (MANE Select); coding-DNA position 3389, A replaced by C.
Protein change: p.Glu1130Ala; replaces glutamic acid 1130 with alanine.
Molecular consequence: missense variant. On other transcripts: non-coding transcript variant (2).
Genome position (GRCh38, 1-based): chr5:98,876,407, T>G on the plus strand (A>C on the coding strand, the complement: CHD1 is on the minus strand). VCF-style: chr5-98876407-T-G. GRCh37 (hg19) VCF-style: chr5-98212111-T-G.
Other names: c.3389A>C, p.Glu1130Ala (NM_001364113.3, NM_001376194.2); short protein forms E1130A.
Identifiers: ClinVar variation 4854247 (VCV004854247.1).